The following is an entry in ClinVar:

NM_012062.5(DNM1L):c.2042C>A (p.Thr681Asn)

Gene: DNM1L (dynamin 1 like; plus strand). Cytogenetic location: 12p11.21.
Variant type: single nucleotide variant.
Coding change: c.2042C>A on transcript NM_012062.5 (MANE Select); coding-DNA position 2042, C replaced by A.
Protein change: p.Thr681Asn; replaces threonine 681 with asparagine.
Molecular consequence: missense variant.
Genome position (GRCh38, 1-based): chr12:32,742,636, C>A. VCF-style: chr12-32742636-C-A. GRCh37 (hg19) VCF-style: chr12-32895570-C-A.
Other names: c.2009C>A, p.Thr670Asn (NM_001278463.2); c.2081C>A, p.Thr694Asn (NM_001278464.2); c.2048C>A, p.Thr683Asn (NM_001278465.2); c.1433C>A, p.Thr478Asn (NM_001278466.2); c.1970C>A, p.Thr657Asn (NM_001330380.2); c.1931C>A, p.Thr644Asn (NM_005690.5); c.1964C>A, p.Thr655Asn (NM_012063.4); short protein forms T655N, T694N, T478N, T644N, T670N, T683N, T657N, T681N.
Identifiers: ClinVar variation 3664116 (VCV003664116.2).

ClinVar aggregate classification (germline): Uncertain significance (1 of 4 stars; one submission).

Submission:

Labcorp Genetics (formerly Invitae), Labcorp
Classification: Uncertain significance. Last evaluated: 2025-02-15. Review status: criteria provided, single submitter. Criteria: Invitae Variant Classification Sherloc (09022015). Collection method: clinical testing. Allele origin: germline.
Comment: This sequence change replaces threonine, which is neutral and polar, with asparagine, which is neutral and polar, at codon 681 of the DNM1L protein (p.Thr681Asn). This variant is not present in population databases (gnomAD no frequency). This variant has not been reported in the literature in individuals affected with DNM1L-related conditions. An algorithm developed to predict the effect of missense changes on protein structure and function (PolyPhen-2) suggests that this variant is likely to be tolerated. In summary, the available evidence is currently insufficient to determine the role of this variant in disease. Therefore, it has been classified as a Variant of Uncertain Significance.